The following is an entry in ClinVar:

NM_006939.4(SOS2):c.2162-10C>T

Gene: SOS2 (SOS Ras/Rho guanine nucleotide exchange factor 2; minus strand). Cytogenetic location: 14q21.3.
Variant type: single nucleotide variant.
Coding change: c.2162-10C>T on transcript NM_006939.4 (MANE Select); 10 bases into the intron before coding-DNA position 2162, C replaced by T.
Molecular consequence: intron variant.
Genome position (GRCh38, 1-based): chr14:50,150,240, G>A on the plus strand (C>T on the coding strand, the complement: SOS2 is on the minus strand). VCF-style: chr14-50150240-G-A. GRCh37 (hg19) VCF-style: chr14-50616958-G-A.
Identifiers: ClinVar variation 475743 (VCV000475743.19), dbSNP rs375702667, ClinGen allele CA7177102.
Genomic context (GRCh38, chr14:50,150,240, plus strand): 5'-TCCTCCTGATGATCTTAGCAATTGACTCTACCCATTTTTTCATAGCTTTCCCTGGAAAAA[G>A]AACACATAAAGAAAAATGTCTTTTACTTGACAGACATGACTGCAAATCTTCATTTAATCC-3'

ClinVar aggregate classification (germline): Benign/Likely benign. Review status: criteria provided, multiple submitters, no conflicts (2 of 4 stars). 6 submissions from 6 submitters: Benign (3); Likely benign (2). 1 of the submissions does not count toward it. Last evaluated 2026-01-25.

Conditions:
SOS2-related disorder. Also called: SOS2-related condition.
Noonan syndrome 9 (NS9). Identifiers: Orphanet 648, MedGen C4225282, MONDO:0014691, OMIM 616559.

Allele frequency attached by ClinVar (database versions not stated): 1000 Genomes Project 30x 0.00016; 1000 Genomes Project 0.00020; ESP Exome Variant Server 0.00031; TOPMed 0.00036; gnomAD 0.00042 and 0.00043; ExAC 0.00050; gnomAD exomes 0.00057.
gnomAD v4.1: 501 of 1,533,122 alleles (0.033%); highest among the groups gnomAD compares: Middle Eastern, 0.034%; 3 homozygotes.

Submissions (6):

Labcorp Genetics (formerly Invitae), Labcorp
Classification: Likely benign for Noonan syndrome 9. Last evaluated: 2026-01-25. Review status: criteria provided, single submitter. Criteria: Invitae Variant Classification Sherloc (09022015). Collection method: clinical testing. Allele origin: germline.

Blueprint Genetics
Classification: Likely benign. Last evaluated: 2024-11-14. Review status: criteria provided, single submitter. Criteria: ACMG Guidelines, 2015. Collection method: clinical testing. Allele origin: germline.

Women's Health and Genetics/Laboratory Corporation of America, LabCorp
Classification: Benign. Last evaluated: 2020-04-27. Review status: criteria provided, single submitter. Criteria: LabCorp Variant Classification Summary - May 2015. Collection method: clinical testing. Allele origin: germline.
Comment: Variant summary: SOS2 c.2162-10C>T alters a non-conserved nucleotide located close to a canonical splice site and therefore could affect mRNA splicing, leading to a significantly altered protein sequence. 4/4 computational tools predict no significant impact on normal splicing. However, these predictions have yet to be confirmed by functional studies. The variant allele was found at a frequency of 0.00057 in 250014 control chromosomes (gnomAD). The observed variant frequency is approximately 229 fold of the estimated maximal expected allele frequency for a pathogenic variant in SOS2 causing Noonan Syndrome And Related Conditions phenotype (2.5e-06), strongly suggesting that the variant is benign. To our knowledge, no occurrence of c.2162-10C>T in individuals affected with Noonan Syndrome And Related Conditions and no experimental evidence demonstrating its impact on protein function have been reported. Co-occurrence with another pathogenic variant has been reported (PTPN11 c.844A>G, p.I282V) for this variant in our internal database. One ClinVar submitter (evaluation after 2014) cite the variant as likely benign. Based on the evidence outlined above, the variant was classified as benign.

GeneDx
Classification: Benign. Last evaluated: 2018-07-27. Review status: criteria provided, single submitter. Criteria: GeneDx Variant Classification Process June 2021. Collection method: clinical testing. Allele origin: germline. Affected: yes.

Genome-Nilou Lab
Classification: Benign for Noonan syndrome 9. Review status: criteria provided, single submitter. Criteria: ACMG Guidelines, 2015. Collection method: clinical testing. Allele origin: germline.

PreventionGenetics, part of Exact Sciences
Classification: Benign for SOS2-related condition. Last evaluated: 2019-09-26. Review status: no assertion criteria provided. Collection method: clinical testing. Allele origin: germline. Not counted in ClinVar's aggregate classification.
Comment: This variant is classified as benign based on ACMG/AMP sequence variant interpretation guidelines (Richards et al. 2015 PMID: 25741868, with internal and published modifications).